The following is an entry in ClinVar:

ClinVar aggregate classification (germline): Likely benign. Review status: criteria provided, multiple submitters, no conflicts (2 of 4 stars). 2 submissions from 2 submitters: Likely benign (2). Last evaluated 2025-12-16.

Allele frequency attached by ClinVar (database versions not stated): gnomAD 0.00001; gnomAD exomes 0.00003 and 0.00005; TOPMed 0.00004; ExAC 0.00006; ESP Exome Variant Server 0.00008.
gnomAD v4.1: 47 of 1,571,442 alleles (0.003%); highest among the groups gnomAD compares: Middle Eastern, 0.068%; no homozygotes.

Submissions (2):

Labcorp Genetics (formerly Invitae), Labcorp
Classification: Likely benign. Last evaluated: 2025-12-16. Review status: criteria provided, single submitter. Criteria: Invitae Variant Classification Sherloc (09022015). Collection method: clinical testing. Allele origin: germline.

Mayo Clinic Laboratories, Mayo Clinic
Classification: Likely benign. Last evaluated: 2025-10-22. Review status: criteria provided, single submitter. Criteria: ACMG Guidelines, 2015. Collection method: clinical testing. Allele origin: germline. Observed: 1 variant allele.
Comment: BP4, BP7

NM_006929.5(SKIC2):c.1548A>G (p.Lys516=)

Gene: SKIC2 (SKI2 subunit of superkiller complex; plus strand). Cytogenetic location: 6p21.33.
Variant type: single nucleotide variant.
Coding change: c.1548A>G on transcript NM_006929.5 (MANE Select); coding-DNA position 1548, A replaced by G.
Protein change: p.Lys516=; no amino-acid change (lysine 516 retained).
Molecular consequence: synonymous variant.
Genome position (GRCh38, 1-based): chr6:31,963,557, A>G. VCF-style: chr6-31963557-A-G. GRCh37 (hg19) VCF-style: chr6-31931334-A-G.
Other names: p.Lys516=.
Identifiers: ClinVar variation 1404551 (VCV001404551.9), dbSNP rs370534158, ClinGen allele CA3729502.